The following is an entry in ClinVar:

ClinVar aggregate classification (germline): Uncertain significance (1 of 4 stars; one submission).

Submission:

Ambry Genetics
Classification: Uncertain significance. Last evaluated: 2024-12-20. Review status: criteria provided, single submitter. Criteria: Ambry Variant Classification Scheme 2023. Collection method: clinical testing. Allele origin: germline.
Comment: The p.E203K variant (also known as c.607G>A), located in coding exon 5 of the RINT1 gene, results from a G to A substitution at nucleotide position 607. The glutamic acid at codon 203 is replaced by lysine, an amino acid with similar properties. This amino acid position is conserved. In addition, this alteration is predicted to be tolerated by in silico analysis. Based on the available evidence, the clinical significance of this variant remains unclear.

NM_021930.6(RINT1):c.607G>A (p.Glu203Lys)

Gene: RINT1 (RAD50 interactor 1; plus strand). Cytogenetic location: 7q22.3.
Variant type: single nucleotide variant.
Coding change: c.607G>A on transcript NM_021930.6 (MANE Select); coding-DNA position 607, G replaced by A.
Protein change: p.Glu203Lys; replaces glutamic acid 203 with lysine.
Molecular consequence: missense variant. On other transcripts: 5 prime UTR variant (2), non-coding transcript variant (1), intron variant (1).
Genome position (GRCh38, 1-based): chr7:105,547,001, G>A. VCF-style: chr7-105547001-G-A. GRCh37 (hg19) VCF-style: chr7-105187448-G-A.
Other names: c.373G>A, p.Glu125Lys (NM_001346599.2); c.-413G>A (NM_001346600.2); c.-316G>A (NM_001346601.2); c.-27-3054G>A (NM_001346603.2); short protein forms E125K, E203K.
Identifiers: ClinVar variation 3789213 (VCV003789213.1).